The following is an entry in ClinVar:

NM_001184880.2(PCDH19):c.3205del (p.Leu1069fs)

Gene: PCDH19 (protocadherin 19; minus strand). Cytogenetic location: Xq22.1.
Variant type: Deletion.
Coding change: c.3205del on transcript NM_001184880.2 (MANE Select); coding-DNA position 3205, one base deleted (C; older notation c.3205delC).
Protein change: p.Leu1069fs; shifts the reading frame from leucine 1069.
Molecular consequence: frameshift variant.
Genome position (GRCh38, 1-based): chrX:100,296,519, G deleted on the plus strand (C on the coding strand, the reverse complement: PCDH19 is on the minus strand); the first of 6 consecutive G bases (chrX:100,296,519-100,296,524); deleting any one gives the same sequence. VCF-style (leftmost placement, unchanged base first): chrX-100296518-AG-A. GRCh37 (hg19) VCF-style: chrX-99551516-AG-A.
Other names: c.3064del, p.Leu1022fs (NM_001105243.2); c.3061del, p.Leu1021fs (NM_020766.3); short protein forms L1022fs, L1021fs, L1069fs.
Identifiers: ClinVar variation 2131472 (VCV002131472.4), dbSNP rs2147445909, ClinGen allele CA2580100029.

ClinVar aggregate classification (germline): Pathogenic (1 of 4 stars; one submission).

Conditions:
Developmental and epileptic encephalopathy, 9 (DEE9). Also called: Early infantile epileptic encephalopathy 9; EPILEPSY, FEMALE-RESTRICTED, WITH MENTAL RETARDATION; JUBERG-HELLMAN SYNDROME; PCDH19-Related X-Linked Female-Limited Epilepsy with Mental Retardation. Identifiers: Orphanet 101039, Orphanet 2076, MedGen C1848137, MONDO:0010246, OMIM 300088. Disease mechanism: loss of function.

Submission:

Labcorp Genetics (formerly Invitae), Labcorp
Classification: Pathogenic for Developmental and epileptic encephalopathy, 9. Last evaluated: 2025-01-15. Review status: criteria provided, single submitter. Criteria: Invitae Variant Classification Sherloc (09022015). Collection method: clinical testing. Allele origin: germline.
Comment: This sequence change creates a premature translational stop signal (p.Leu1069Serfs*61) in the PCDH19 gene. While this is not anticipated to result in nonsense mediated decay, it is expected to disrupt the last 80 amino acid(s) of the PCDH19 protein. This variant is not present in population databases (gnomAD no frequency). This variant has not been reported in the literature in individuals affected with PCDH19-related conditions. ClinVar contains an entry for this variant (Variation ID: 2131472). Experimental studies and prediction algorithms are not available or were not evaluated, and the functional significance of this variant is currently unknown. This variant disrupts a region of the PCDH19 protein in which other variant(s) (p.Tyr1083Serfs*47) have been determined to be pathogenic (internal data). This suggests that this is a clinically significant region of the protein, and that variants that disrupt it are likely to be disease-causing. For these reasons, this variant has been classified as Pathogenic.